The following is an entry in ClinVar:

NM_000795.4(DRD2):c.781G>A (p.Gly261Arg)

Gene: DRD2 (dopamine receptor D2; minus strand). Cytogenetic location: 11q23.2.
Variant type: single nucleotide variant.
Coding change: c.781G>A on transcript NM_000795.4 (MANE Select); coding-DNA position 781, G replaced by A.
Protein change: p.Gly261Arg; replaces glycine 261 with arginine.
Molecular consequence: missense variant. On other transcripts: intron variant (1).
Genome position (GRCh38, 1-based): chr11:113,414,404, C>T on the plus strand (G>A on the coding strand, the complement: DRD2 is on the minus strand). VCF-style: chr11-113414404-C-T. GRCh37 (hg19) VCF-style: chr11-113285126-C-T.
Other names: c.723+1017G>A (NM_016574.4); short protein forms G261R.
Identifiers: ClinVar variation 862358 (VCV000862358.10), dbSNP rs1415830775, ClinGen allele CA382651368.

ClinVar aggregate classification (germline): Uncertain significance. Review status: criteria provided, multiple submitters, no conflicts (2 of 4 stars). 2 submissions from 2 submitters: Uncertain significance (2). Last evaluated 2022-02-10.

Conditions:
Dystonic disorder. Also called: Dystonia. Identifiers: MedGen C0013421, MONDO:0003441, HP:0001332.

Allele frequency attached by ClinVar (database versions not stated): gnomAD 0.00001; gnomAD exomes 0.00001; TOPMed below 0.00001.

Submissions (2):

Labcorp Genetics (formerly Invitae), Labcorp
Classification: Uncertain significance for Dystonic disorder. Last evaluated: 2022-02-10. Review status: criteria provided, single submitter. Criteria: Invitae Variant Classification Sherloc (09022015). Collection method: clinical testing. Allele origin: germline.
Comment: In summary, the available evidence is currently insufficient to determine the role of this variant in disease. Therefore, it has been classified as a Variant of Uncertain Significance. Algorithms developed to predict the effect of missense changes on protein structure and function are either unavailable or do not agree on the potential impact of this missense change (SIFT: "Deleterious"; PolyPhen-2: "Benign"; Align-GVGD: "Class C65"). ClinVar contains an entry for this variant (Variation ID: 862358). This variant has not been reported in the literature in individuals affected with DRD2-related conditions. This variant is not present in population databases (gnomAD no frequency). This sequence change replaces glycine, which is neutral and non-polar, with arginine, which is basic and polar, at codon 261 of the DRD2 protein (p.Gly261Arg).

Ambry Genetics
Classification: Uncertain significance. Last evaluated: 2021-07-20. Review status: criteria provided, single submitter. Criteria: Ambry Variant Classification Scheme 2023. Collection method: clinical testing. Allele origin: germline.